The following is an entry in ClinVar:

ClinVar aggregate classification (germline): Uncertain significance. Review status: criteria provided, single submitter (1 of 4 stars). 2 submissions from 2 submitters: Uncertain significance (1). 1 of the submissions does not count toward it. Last evaluated 2021-03-30.

Conditions:
PLCD1-related disorder. Also called: PLCD1-related condition.

Allele frequency attached by ClinVar (database versions not stated): 1000 Genomes Project 0.00040; 1000 Genomes Project 30x 0.00047.
gnomAD v4.1: 492 of 1,614,202 alleles (0.03%); highest among the groups gnomAD compares: East Asian, 0.95%; 3 homozygotes.

Submissions (2):

GeneDx
Classification: Uncertain significance. Last evaluated: 2021-03-30. Review status: criteria provided, single submitter. Criteria: GeneDx Variant Classification Process June 2021. Collection method: clinical testing. Allele origin: germline. Affected: yes.
Comment: In silico analysis supports that this missense variant does not alter protein structure/function; Has not been previously published as pathogenic or benign to our knowledge

PreventionGenetics, part of Exact Sciences
Classification: Likely benign for PLCD1-related condition. Last evaluated: 2019-12-27. Review status: no assertion criteria provided. Collection method: clinical testing. Allele origin: germline. Not counted in ClinVar's aggregate classification.
Comment: This variant is classified as likely benign based on ACMG/AMP sequence variant interpretation guidelines (Richards et al. 2015 PMID: 25741868, with internal and published modifications).

NM_006225.4(PLCD1):c.1836C>A (p.Asn612Lys)

Gene: PLCD1 (phospholipase C delta 1; minus strand). Cytogenetic location: 3p22.2.
Variant type: single nucleotide variant.
Coding change: c.1836C>A on transcript NM_006225.4 (MANE Select); coding-DNA position 1836, C replaced by A.
Protein change: p.Asn612Lys; replaces asparagine 612 with lysine.
Molecular consequence: missense variant. On other transcripts: non-coding transcript variant (1).
Genome position (GRCh38, 1-based): chr3:38,008,524, G>T on the plus strand (C>A on the coding strand, the complement: PLCD1 is on the minus strand). VCF-style: chr3-38008524-G-T. GRCh37 (hg19) VCF-style: chr3-38050015-G-T.
Other names: c.1899C>A, p.Asn633Lys (NM_001130964.2); short protein forms N612K, N633K.
Identifiers: ClinVar variation 1314291 (VCV001314291.4), dbSNP rs115653853, ClinGen allele CA2312912.
Genomic context (GRCh38, chr3:38,008,524, plus strand): 5'-GTTGAGCCGCTTCCGTGCCCACCAGGGCCCCTGAGCCAGGGCGCGGGGGTTAAAGGTGCC[G>T]TTGGGGTCTCGCAGGAAGGCGGGCTTCAGCACGTACCCACAGGCCCCGTTGTCCTGGAAG-3'
Protein context (NP_006216.2, residues 602-622): VLKPAFLRDP[Asn612Lys]GTFNPRALAQ